The following is an entry in ClinVar:

ClinVar aggregate classification (germline): Uncertain significance (1 of 4 stars; one submission).

gnomAD v4.1: 6 of 1,611,730 alleles (0.00037%); highest among the groups gnomAD compares: Admixed American, 0.0017%; no homozygotes.

Submission:

Mayo Clinic Laboratories, Mayo Clinic
Classification: Uncertain significance. Last evaluated: 2021-09-03. Review status: criteria provided, single submitter. Criteria: ACMG Guidelines, 2015. Collection method: clinical testing. Allele origin: germline. Observed: 1 variant allele.
Comment: PM2_moderate

NM_005247.4(FGF3):c.448G>C (p.Glu150Gln)

Gene: FGF3 (fibroblast growth factor 3; minus strand). Cytogenetic location: 11q13.3.
Variant type: single nucleotide variant.
Coding change: c.448G>C on transcript NM_005247.4 (MANE Select); coding-DNA position 448, G replaced by C.
Protein change: p.Glu150Gln; replaces glutamic acid 150 with glutamine.
Molecular consequence: missense variant.
Genome position (GRCh38, 1-based): chr11:69,810,577, C>G on the plus strand (G>C on the coding strand, the complement: FGF3 is on the minus strand). VCF-style: chr11-69810577-C-G. GRCh37 (hg19) VCF-style: chr11-69625345-C-G.
Other names: p.Glu150Gln; short protein forms E150Q.
Identifiers: ClinVar variation 4541646 (VCV004541646.1).
Genomic context (GRCh38, chr11:69,810,577, plus strand): 5'-GGGTCTTGAAGCCCCTGCGGGGCCGGCCCTTGCCGTTCACAGACACGTACCACAGTCTCT[C>G]GGCGCTGGGCTGCCGGCGGGCCCCAGGCGTACTAGACACCGTCCGGTACAGCCGGGAGGC-3'
Protein context (NP_005238.1, residues 140-160): TPGARRQPSA[Glu150Gln]RLWYVSVNGK